The following is an entry in ClinVar:

NM_001079668.3(NKX2-1):c.53G>T (p.Gly18Val)

Genes: NKX2-1 (NK2 homeobox 1; minus strand), NKX2-1-AS1 (NKX2-1 antisense RNA 1; plus strand). Cytogenetic location: 14q13.3.
Variant type: single nucleotide variant.
Coding change: c.53G>T on transcript NM_001079668.3 (MANE Select); coding-DNA position 53, G replaced by T.
Protein change: p.Gly18Val; replaces glycine 18 with valine.
Molecular consequence: missense variant.
Genome position (GRCh38, 1-based): chr14:36,520,077, C>A on the plus strand (G>T on the coding strand, the complement: NKX2-1 is on the minus strand). VCF-style: chr14-36520077-C-A. GRCh37 (hg19) VCF-style: chr14-36989282-C-A.
Other names: short protein forms G18V.
Identifiers: ClinVar variation 3370655 (VCV003370655.1).

ClinVar aggregate classification (germline): Uncertain significance (1 of 4 stars; one submission).

Submission:

GeneDx
Classification: Uncertain significance. Last evaluated: 2024-03-08. Review status: criteria provided, single submitter. Criteria: GeneDx Variant Classification Process June 2021. Collection method: clinical testing. Allele origin: germline. Affected: yes.
Comment: Not observed at significant frequency in large population cohorts (gnomAD); In silico analysis supports that this missense variant has a deleterious effect on protein structure/function; Has not been previously published as pathogenic or benign to our knowledge